The following is an entry in ClinVar:

ClinVar aggregate classification (germline): Likely benign. Review status: criteria provided, single submitter (1 of 4 stars). 2 submissions from 2 submitters: Likely benign (1). 1 of the submissions does not count toward it. Last evaluated 2024-12-18.

Conditions:
Nephrotic syndrome, type 6 (NPHS6). Identifiers: Orphanet 656, MedGen C3280100, MONDO:0013619, OMIM 614196.
PTPRO-related disorder. Also called: PTPRO-related condition.

Allele frequency attached by ClinVar (database versions not stated): gnomAD exomes 0.00008; TOPMed 0.00008; gnomAD 0.00009; ExAC 0.00022.
gnomAD v4.1: 135 of 1,613,948 alleles (0.0084%); highest among the groups gnomAD compares: East Asian, 0.21%; no homozygotes.

Submissions (2):

Genomic Medicine Center of Excellence, King Faisal Specialist Hospital and Research Centre
Classification: Likely benign for Nephrotic syndrome, type 6. Last evaluated: 2024-12-18. Review status: criteria provided, single submitter. Criteria: ACMG Guidelines, 2015. Collection method: clinical testing. Allele origin: germline.

PreventionGenetics, part of Exact Sciences
Classification: Likely benign for PTPRO-related condition. Last evaluated: 2023-11-01. Review status: no assertion criteria provided. Collection method: clinical testing. Allele origin: germline. Not counted in ClinVar's aggregate classification.
Comment: This variant is classified as likely benign based on ACMG/AMP sequence variant interpretation guidelines (Richards et al. 2015 PMID: 25741868, with internal and published modifications).

NM_030667.3(PTPRO):c.3530C>T (p.Ser1177Phe)

Gene: PTPRO (protein tyrosine phosphatase receptor type O; plus strand). Cytogenetic location: 12p12.3.
Variant type: single nucleotide variant.
Coding change: c.3530C>T on transcript NM_030667.3 (MANE Select); coding-DNA position 3530, C replaced by T.
Protein change: p.Ser1177Phe; replaces serine 1177 with phenylalanine.
Molecular consequence: missense variant.
Genome position (GRCh38, 1-based): chr12:15,589,574, C>T. VCF-style: chr12-15589574-C-T. GRCh37 (hg19) VCF-style: chr12-15742508-C-T.
Other names: c.3446C>T, p.Ser1149Phe (NM_002848.4); c.1013C>T, p.Ser338Phe (NM_030668.3, NM_030670.3); c.1097C>T, p.Ser366Phe (NM_030669.3, NM_030671.3); short protein forms S1149F, S1177F, S338F, S366F.
Identifiers: ClinVar variation 3031850 (VCV003031850.3), dbSNP rs200478856, ClinGen allele CA6467186.